The following is an entry in ClinVar:

ClinVar aggregate classification (germline): Likely pathogenic. Review status: criteria provided, multiple submitters, no conflicts (2 of 4 stars). 3 submissions from 3 submitters: Likely pathogenic (2). 1 of the submissions does not count toward it. Last evaluated 2025-10-20.

Conditions:
Anauxetic dysplasia. Identifiers: Orphanet 93347, MedGen C1846796, MONDO:0011773.
Metaphyseal chondrodysplasia, McKusick type (CHH). Also called: Cartilage-hair hypoplasia; Cartilage-Hair Hypoplasia (CHH). Identifiers: Orphanet 175, MedGen C0220748, MONDO:0009595, OMIM 250250.

Allele frequency attached by ClinVar (database versions not stated): gnomAD exomes below 0.00001 and 0.00002; ExAC 0.00011.

Submissions (3):

Labcorp Genetics (formerly Invitae), Labcorp
Classification: Likely pathogenic for Anauxetic dysplasia. Last evaluated: 2025-10-20. Review status: criteria provided, single submitter. Criteria: Invitae Variant Classification Sherloc (09022015). Collection method: clinical testing. Allele origin: germline.
Comment: This variant occurs in the RMRP gene, which encodes an RNA molecule that does not result in a protein product. This variant is present in population databases (rs727502777, gnomAD 0.009%). While this particular variant has not been reported in the literature, it is located in the promoter region between the TATA box and the transcription initiation site, and other insertions and duplications immediately upstream of the coding sequence have been reported in individuals affected with cartilage-hair hypoplasia-anauxetic dysplasia (CHH-AD) spectrum disorders (PMID: 16244706, 11207361, 12107819). ClinVar contains an entry for this variant (Variation ID: 556306). While functional studies for this variant have not been reported, experimental analyses using patient derived cells, as well as in vitro transfection studies, have shown that promoter insertions result in silencing of RMRP transcription and reduced expression of the gene product (PMID: 11207361, 16254002). In summary, the currently available evidence indicates that the variant is pathogenic, but additional data are needed to prove that conclusively. Therefore, this variant has been classified as Likely Pathogenic.

Natera, Inc.
Classification: Likely pathogenic for Cartilage-hair hypoplasia. Last evaluated: 2024-08-14. Review status: criteria provided, single submitter. Criteria: Natera Variant Classification Schema (03/2026). Collection method: clinical testing. Allele origin: germline.
Comment: The n.-22_-6dupTACTCTGTGAAGCTGAG variant in RMRP is a duplication affecting the RMRP promoter region between the TATA box and the transcription initiation site. Other duplications and insertions just upstream of the transcription initiation site have been reported in individuals affected with cartilage-hair hypoplasia (PMID: 11207361, 17937437). This variant is rare in the general population with a frequency below the threshold expected for the associated phenotype(s). Given the available evidence, this variant is classified as Likely pathogenic.

Counsyl
Classification: Likely pathogenic for Metaphyseal chondrodysplasia, McKusick type. Last evaluated: 2018-01-31. Review status: no assertion criteria provided. Collection method: clinical testing. Allele origin: unknown. Not counted in ClinVar's aggregate classification.

Literature cited by the submitters: PubMed 16244706 (cited by Labcorp Genetics (formerly Invitae), Labcorp); PubMed 11207361 (cited by Labcorp Genetics (formerly Invitae), Labcorp and Natera, Inc.); PubMed 12107819 (cited by Labcorp Genetics (formerly Invitae), Labcorp); PubMed 16254002 (cited by Labcorp Genetics (formerly Invitae), Labcorp); PubMed 17937437 (cited by Natera, Inc.); PubMed 21570718 (cited by Counsyl).

NR_003051.3(RMRP):n.-22_-6dupTACTCTGTGAAGCTGAG

Gene: RMRP (RNA component of mitochondrial RNA processing endoribonuclease; minus strand). Cytogenetic location: 9p13.3.
Variant type: Duplication.
Genome position: GRCh38 VCF-style: chr9-35658023-C-CCTCAGCTTCACAGAGTA. GRCh37 (hg19) VCF-style: chr9-35658020-C-CCTCAGCTTCACAGAGTA.
Identifiers: ClinVar variation 556306 (VCV000556306.11), dbSNP rs727502777, ClinGen allele CA5045880.